The following is an entry in ClinVar:

ClinVar aggregate classification (germline): Conflicting classifications of pathogenicity. Review status: criteria provided, conflicting classifications (1 of 4 stars). 3 submissions from 3 submitters: Uncertain significance (2); Likely benign (1). Last evaluated 2025-08-19.

Conditions:
Hereditary sensory and autonomic neuropathy type 7. Also called: Neuropathy, hereditary sensory and autonomic, type VII; HSAN VII. Identifiers: Orphanet 391397, MedGen C3809882, MONDO:0014244, OMIM 615548.
Familial episodic pain syndrome with predominantly lower limb involvement. Also called: Episodic pain syndrome, familial, 3. Identifiers: Orphanet 391384, Orphanet 391392, MedGen C3809899, MONDO:0014247, OMIM 615552.
Inborn genetic diseases. Identifiers: MedGen C0950123, MeSH D030342.

Allele frequency attached by ClinVar (database versions not stated): ExAC 0.00002; gnomAD exomes 0.00002; TOPMed 0.00005; ESP Exome Variant Server 0.00008; gnomAD 0.00009; 1000 Genomes Project 30x 0.00016; 1000 Genomes Project 0.00020.
gnomAD v4.1: 47 of 1,559,270 alleles (0.003%); highest among the groups gnomAD compares: African/African-American, 0.011%; no homozygotes.

Submissions (3):

Labcorp Genetics (formerly Invitae), Labcorp
Classification: Uncertain significance for Familial episodic pain syndrome with predominantly lower limb involvement; Hereditary sensory and autonomic neuropathy type 7. Last evaluated: 2025-08-19. Review status: criteria provided, single submitter. Criteria: Invitae Variant Classification Sherloc (09022015). Collection method: clinical testing. Allele origin: germline.
Comment: This sequence change replaces arginine, which is basic and polar, with glutamine, which is neutral and polar, at codon 1350 of the SCN11A protein (p.Arg1350Gln). This variant is present in population databases (rs375444880, gnomAD 0.02%). This missense change has been observed in individuals with hereditary sensory and autonomic neuropathy (PMID: 30554136). ClinVar contains an entry for this variant (Variation ID: 941859). Invitae Evidence Modeling of protein sequence and biophysical properties (such as structural, functional, and spatial information, amino acid conservation, physicochemical variation, residue mobility, and thermodynamic stability) indicates that this missense variant is expected to disrupt SCN11A protein function with a positive predictive value of 80%. In summary, the available evidence is currently insufficient to determine the role of this variant in disease. Therefore, it has been classified as a Variant of Uncertain Significance.

Department of Pathology and Laboratory Medicine, Sinai Health System
Classification: Uncertain significance for Hereditary sensory and autonomic neuropathy type 7; Familial episodic pain syndrome with predominantly lower limb involvement. Last evaluated: 2022-06-10. Review status: criteria provided, single submitter. Criteria: ACMG Guidelines, 2015. Collection method: research. Allele origin: germline.

Ambry Genetics
Classification: Likely benign for Inborn genetic diseases. Last evaluated: 2022-06-06. Review status: criteria provided, single submitter. Criteria: Ambry Variant Classification Scheme 2023. Collection method: clinical testing. Allele origin: germline.

Literature cited by the submitters: PubMed 30554136 (cited by Labcorp Genetics (formerly Invitae), Labcorp).

NM_001349253.2(SCN11A):c.4049G>A (p.Arg1350Gln)

Gene: SCN11A (sodium voltage-gated channel alpha subunit 11; minus strand). Cytogenetic location: 3p22.2.
Variant type: single nucleotide variant.
Coding change: c.4049G>A on transcript NM_001349253.2 (MANE Select); coding-DNA position 4049, G replaced by A.
Protein change: p.Arg1350Gln; replaces arginine 1350 with glutamine.
Molecular consequence: missense variant.
Genome position (GRCh38, 1-based): chr3:38,863,202, C>T on the plus strand (G>A on the coding strand, the complement: SCN11A is on the minus strand). VCF-style: chr3-38863202-C-T. GRCh37 (hg19) VCF-style: chr3-38904693-C-T.
Other names: c.4049G>A, p.Arg1350Gln (NM_014139.3); short protein forms R1350Q.
Identifiers: ClinVar variation 941859 (VCV000941859.10), dbSNP rs375444880, ClinGen allele CA2321623.
Genomic context (GRCh38, chr3:38,863,202, plus strand): 5'-CCTCACAGTAACTCAACTGTTCTACATATTTACAGTCATTCAATTGCTCTCACCAGAGGC[C>T]GTGGAATGGGTTTTTGAGGTTTTTTGGATCCTAATTTTTTCATTGCATTATAGTATTTCT-3'
Protein context (NP_001336182.1, residues 1340-1360): GSKKPQKPIP[Arg1350Gln]PLNKCQGLVF